The following is an entry in ClinVar:

NM_000051.4(ATM):c.3448A>T (p.Arg1150Ter)

Gene: ATM (ATM serine/threonine kinase; plus strand). Cytogenetic location: 11q22.3.
Variant type: single nucleotide variant.
Coding change: c.3448A>T on transcript NM_000051.4 (MANE Select); coding-DNA position 3448, A replaced by T.
Protein change: p.Arg1150Ter; replaces arginine 1150 with a stop codon.
Molecular consequence: nonsense.
Genome position (GRCh38, 1-based): chr11:108,281,040, A>T. VCF-style: chr11-108281040-A-T. GRCh37 (hg19) VCF-style: chr11-108151767-A-T.
Other names: c.3448A>T, p.Arg1150Ter (NM_001351834.2); short protein forms R1150*.
Identifiers: ClinVar variation 1386175 (VCV001386175.7), dbSNP rs786201209, ClinGen allele CA382519302.
Genomic context (GRCh38, chr11:108,281,040, plus strand): 5'-TAATTTCTTTTTAAGTCCCATAGTGCTGAGAACCCTGAAACTTTGGATGAAATTTATAAT[A>T]GAAAATCTGTTTTACTGACGTTGATAGCTGTGGTTTTATCCTGTAGCCCTATCTGCGAAA-3'

ClinVar aggregate classification (germline): Pathogenic. Review status: criteria provided, multiple submitters, no conflicts (2 of 4 stars). 2 submissions from 2 submitters: Pathogenic (2). Last evaluated 2024-01-22.

Conditions:
Familial cancer of breast. Also called: BREAST CANCER, FAMILIAL; Hereditary breast cancer; hereditary breast carcinoma. Identifiers: Orphanet 227535, MedGen C0346153, MONDO:0016419, OMIM 114480. Disease mechanism: loss of function.
Ataxia-telangiectasia syndrome (AT). Also called: Cerebello-oculocutaneous telangiectasia; Immunodeficiency with ataxia telangiectasia; LOUIS-BAR SYNDROME; ATAXIA-TELANGIECTASIA, COMPLEMENTATION GROUP A; ATAXIA-TELANGIECTASIA, FRESNO VARIANT; Ataxia-telangiectasia, complementation group D. Identifiers: Orphanet 100, MedGen C0004135, MONDO:0008840, OMIM 208900.

Submissions (2):

Myriad Genetics, Inc.
Classification: Pathogenic for Familial cancer of breast. Last evaluated: 2024-01-22. Review status: criteria provided, single submitter. Criteria: Myriad Autosomal Dominant, Autosomal Recessive and X-Linked Classification Criteria (2023). Collection method: clinical testing. Allele origin: unknown.
Comment: This variant is considered pathogenic. This variant creates a termination codon and is predicted to result in premature protein truncation.

Labcorp Genetics (formerly Invitae), Labcorp
Classification: Pathogenic for Ataxia-telangiectasia syndrome. Last evaluated: 2021-07-07. Review status: criteria provided, single submitter. Criteria: Invitae Variant Classification Sherloc (09022015). Collection method: clinical testing. Allele origin: germline.
Comment: This sequence change creates a premature translational stop signal (p.Arg1150*) in the ATM gene. It is expected to result in an absent or disrupted protein product. Loss-of-function variants in ATM are known to be pathogenic (PMID: 23807571, 25614872). This variant is not present in population databases (ExAC no frequency). This variant has not been reported in the literature in individuals affected with ATM-related conditions. For these reasons, this variant has been classified as Pathogenic.

Literature cited by the submitters: PubMed 23807571 (cited by Labcorp Genetics (formerly Invitae), Labcorp); PubMed 25614872 (cited by Labcorp Genetics (formerly Invitae), Labcorp).